The following is an entry in ClinVar:

ClinVar aggregate classification (germline): Pathogenic/Likely pathogenic. Review status: criteria provided, multiple submitters, no conflicts (2 of 4 stars). 6 submissions from 6 submitters: Pathogenic (4); Likely pathogenic (2). Last evaluated 2025-09-03.

Conditions:
CRB2-related disorder. Also called: CRB2-related condition; CRB2-related disorders.

Submissions (6):

Labcorp Genetics (formerly Invitae), Labcorp
Classification: Pathogenic. Last evaluated: 2025-09-03. Review status: criteria provided, single submitter. Criteria: Invitae Variant Classification Sherloc (09022015). Collection method: clinical testing. Allele origin: germline.
Comment: This sequence change creates a premature translational stop signal (p.Arg1030Leufs*106) in the CRB2 gene. It is expected to result in an absent or disrupted protein product. Loss-of-function variants in CRB2 are known to be pathogenic (PMID: 27942854, 30212996). The frequency data for this variant in the population databases is considered unreliable, as metrics indicate poor data quality at this position in the gnomAD database. This premature translational stop signal has been observed in individual(s) with clinical features of CRB2-related conditions (PMID: 36071576). ClinVar contains an entry for this variant (Variation ID: 1324169). For these reasons, this variant has been classified as Pathogenic.

PreventionGenetics, part of Exact Sciences
Classification: Pathogenic for CRB2-related condition. Last evaluated: 2025-04-11. Review status: criteria provided, single submitter. Criteria: ACMG Guidelines, 2015. Collection method: clinical testing. Allele origin: germline.
Comment: The CRB2 c.3089_3104del16 variant is predicted to result in a frameshift and premature protein termination (p.Arg1030Leufs*106). This variant has been reported to be pathogenic for CRB2-related disorders (reported as c.3078_3093del in Zhang et al. 2020. PubMed ID: 32051522; Adutwum et al. 2023. PubMed ID: 36071576). This variant is reported in 0.0045% of alleles in individuals of European (non-Finnish) descent in gnomAD (v4.1.0). Frameshift variants in CRB2 are expected to be pathogenic. This variant is interpreted as pathogenic.

GeneDx
Classification: Pathogenic. Last evaluated: 2025-03-11. Review status: criteria provided, single submitter. Criteria: GeneDx Variant Classification Process June 2021. Collection method: clinical testing. Allele origin: germline. Affected: yes.
Comment: Frameshift variant predicted to result in protein truncation or nonsense mediated decay in a gene for which loss of function is a known mechanism of disease; Not observed at significant frequency in large population cohorts (gnomAD); This variant is associated with the following publications: (PMID: 36071576, 32051522)

Laboratory of Genetics, Children's Clinical University Hospital Latvia
Classification: Pathogenic. Last evaluated: 2025-02-16. Review status: criteria provided, single submitter. Criteria: ACMG Guidelines, 2015. Collection method: clinical testing. Allele origin: germline. Affected: yes.

Blueprint Genetics
Classification: Likely pathogenic for CRB2-related disorders. Last evaluated: 2023-01-19. Review status: criteria provided, single submitter. Criteria: ACMG Guidelines, 2015. Collection method: clinical testing. Allele origin: germline. Affected: yes. Observed: 3 variant alleles.

Revvity Omics, Revvity
Classification: Likely pathogenic. Last evaluated: 2020-08-04. Review status: criteria provided, single submitter. Criteria: ACMG Guidelines, 2015. Collection method: clinical testing. Allele origin: germline.

Literature cited by the submitters: PubMed 27942854 (cited by Labcorp Genetics (formerly Invitae), Labcorp); PubMed 30212996 (cited by Labcorp Genetics (formerly Invitae), Labcorp); PubMed 36071576 (cited by Labcorp Genetics (formerly Invitae), Labcorp).

NM_173689.7(CRB2):c.3089_3104del (p.Arg1030fs)

Gene: CRB2 (crumbs cell polarity complex component 2; plus strand). Cytogenetic location: 9q33.3.
Variant type: Deletion.
Coding change: c.3089_3104del on transcript NM_173689.7 (MANE Select); coding-DNA positions 3089 to 3104, 16 bases deleted (GGCCCGGCGCGGCCCC).
Protein change: p.Arg1030fs; shifts the reading frame from arginine 1030.
Molecular consequence: frameshift variant. On other transcripts: non-coding transcript variant (1).
Genome position (GRCh38, 1-based): chr9:123,373,620-123,373,635, GGCCCGGCGCGGCCCC deleted; deleting any 16 consecutive bases within chr9:123,373,609-123,373,635 gives the same sequence; the c. name uses the placement nearest the transcript's 3' end. VCF-style (leftmost placement, unchanged base first): chr9-123373608-TGGCGCGGCCCCGGCCC-T. GRCh37 (hg19) VCF-style: chr9-126135887-TGGCGCGGCCCCGGCCC-T.
Other names: c.3089_3104del16 (NM_173689.6); c.3089_3104del (NM_173689.6); short protein forms R1030fs.
Identifiers: ClinVar variation 1324169 (VCV001324169.10), dbSNP rs879255251, ClinGen allele CA590936291.